The following is an entry in ClinVar:

NM_004336.5(BUB1):c.2215G>A (p.Gly739Arg)

Gene: BUB1 (BUB1 mitotic checkpoint serine/threonine kinase; minus strand). Cytogenetic location: 2q13.
Variant type: single nucleotide variant.
Coding change: c.2215G>A on transcript NM_004336.5 (MANE Select); coding-DNA position 2215, G replaced by A.
Protein change: p.Gly739Arg; replaces glycine 739 with arginine.
Molecular consequence: missense variant.
Genome position (GRCh38, 1-based): chr2:110,649,366, C>T on the plus strand (G>A on the coding strand, the complement: BUB1 is on the minus strand). VCF-style: chr2-110649366-C-T. GRCh37 (hg19) VCF-style: chr2-111406943-C-T.
Other names: c.2155G>A, p.Gly719Arg (NM_001278616.2); c.2215G>A, p.Gly739Arg (NM_001278617.2); short protein forms G739R, G719R.
Identifiers: ClinVar variation 2560901 (VCV002560901.2), dbSNP rs777237844, ClinGen allele CA1827839.
Genomic context (GRCh38, chr2:110,649,366, plus strand): 5'-TCACTGGTTTAGAAAGCCCAGATAAAAGTTTGAAAATCAGCTTATCATCCCATGGGTTCC[C>T]AACAATGAAGTCTTAAAGGAATGAGAAAAAAAAAAAAAAAGGGAACATGAATTGAGTACT-3'
Protein context (NP_004327.1, residues 729-749): GTVDAPNFIV[Gly739Arg]NPWDDKLIFK

ClinVar aggregate classification (germline): Uncertain significance (1 of 4 stars; one submission).

Allele frequency attached by ClinVar (database versions not stated): gnomAD exomes below 0.00001; ExAC 0.00001; gnomAD 0.00001; TOPMed 0.00001.
gnomAD v4.1: 3 of 1,518,194 alleles (0.0002%); highest among the groups gnomAD compares: African/African-American, 0.0045%; no homozygotes.

Submission:

Ambry Genetics
Classification: Uncertain significance. Last evaluated: 2023-06-08. Review status: criteria provided, single submitter. Criteria: Ambry Variant Classification Scheme 2023. Collection method: clinical testing. Allele origin: germline.
Comment: The p.G739R variant (also known as c.2215G>A), located in coding exon 19 of the BUB1 gene, results from a G to A substitution at nucleotide position 2215. The glycine at codon 739 is replaced by arginine, an amino acid with dissimilar properties. This amino acid position is conserved. In addition, this alteration is predicted to be tolerated by in silico analysis. Since supporting evidence is limited at this time, the clinical significance of this alteration remains unclear.